The following is an entry in ClinVar:

NM_006060.6(IKZF1):c.1025C>G (p.Pro342Arg)

Gene: IKZF1 (IKAROS family zinc finger 1; plus strand). Cytogenetic location: 7p12.2.
Variant type: single nucleotide variant.
Coding change: c.1025C>G on transcript NM_006060.6 (MANE Select); coding-DNA position 1025, C replaced by G.
Protein change: p.Pro342Arg; replaces proline 342 with arginine.
Molecular consequence: missense variant.
Genome position (GRCh38, 1-based): chr7:50,400,092, C>G. VCF-style: chr7-50400092-C-G. GRCh37 (hg19) VCF-style: chr7-50467790-C-G.
Other names: c.899C>G, p.Pro300Arg (NM_001220765.3, NM_001291837.2); c.734C>G, p.Pro245Arg (NM_001220767.2); c.764C>G, p.Pro255Arg (NM_001220768.2, NM_001291838.2); c.608C>G, p.Pro203Arg (NM_001220770.2); c.596C>G, p.Pro199Arg (NM_001220771.2, NM_001291841.1); c.638C>G, p.Pro213Arg (NM_001291839.2); c.335C>G, p.Pro112Arg (NM_001291840.1); c.566C>G, p.Pro189Arg (NM_001291842.1); and 3 more; short protein forms P112R, P147R, P157R, P189R, P199R, P203R, P213R, P245R.
Identifiers: ClinVar variation 4804548 (VCV004804548.1).
Genomic context (GRCh38, chr7:50,400,092, plus strand): 5'-TGGGGGCCGAGTCCCTGCGCCCGCTGGTGCAGACGCCCCCGGGCGGTTCCGAGGTGGTCC[C>G]GGTCATCAGCCCGATGTACCAGCTGCACAAGCCGCTCGCGGAGGGCACCCCGCGCTCCAA-3'
Protein context (NP_006051.1, residues 332-352): QTPPGGSEVV[Pro342Arg]VISPMYQLHK

ClinVar aggregate classification (germline): Uncertain significance (1 of 4 stars; one submission).

Submission:

Labcorp Genetics (formerly Invitae), Labcorp
Classification: Uncertain significance. Last evaluated: 2025-08-09. Review status: criteria provided, single submitter. Criteria: Invitae Variant Classification Sherloc (09022015). Collection method: clinical testing. Allele origin: germline.
Comment: This sequence change replaces proline, which is neutral and non-polar, with arginine, which is basic and polar, at codon 342 of the IKZF1 protein (p.Pro342Arg). This variant is not present in population databases (gnomAD no frequency). This variant has not been reported in the literature in individuals affected with IKZF1-related conditions. An algorithm developed to predict the effect of missense changes on protein structure and function (PolyPhen-2) suggests that this variant is likely to be disruptive. In summary, the available evidence is currently insufficient to determine the role of this variant in disease. Therefore, it has been classified as a Variant of Uncertain Significance.